The following is an entry in ClinVar:

NM_002769.5(PRSS1):c.388A>G (p.Thr130Ala)

Genes: PRSS1 (serine protease 1; plus strand), TRB (T cell receptor beta locus; plus strand). Cytogenetic location: 7q34.
Variant type: single nucleotide variant.
Coding change: c.388A>G on transcript NM_002769.5 (MANE Select); coding-DNA position 388, A replaced by G.
Protein change: p.Thr130Ala; replaces threonine 130 with alanine.
Molecular consequence: missense variant. On other transcripts: non-coding transcript variant (5).
Genome position (GRCh38, 1-based): chr7:142,751,961, A>G. VCF-style: chr7-142751961-A-G. GRCh37 (hg19) VCF-style: chr7-142459812-A-G.
Other names: short protein forms T130A.
Identifiers: ClinVar variation 1735868 (VCV001735868.4), dbSNP rs11553845, ClinGen allele CA168148633.
Genomic context (GRCh38, chr7:142,751,961, plus strand): 5'-TTAATCAAGCTCTCCTCACGTGCAGTAATCAACGCCCGCGTGTCCACCATCTCTCTGCCC[A>G]CCGCCCCTCCAGCCACTGGCACGAAGTGCCTCATCTCTGGCTGGGGCAACACTGCGAGCT-3'
Protein context (NP_002760.1, residues 120-140): NARVSTISLP[Thr130Ala]APPATGTKCL

ClinVar aggregate classification (germline): Uncertain significance. Review status: criteria provided, multiple submitters, no conflicts (2 of 4 stars). 2 submissions from 2 submitters: Uncertain significance (2). Last evaluated 2025-02-07.

Conditions:
Hereditary pancreatitis (PCTT). Also called: Hereditary chronic pancreatitis; PRSS1-Related Hereditary Pancreatitis. Identifiers: Orphanet 676, MedGen C0238339, MONDO:0008185, OMIM 167800.

Allele frequency attached by ClinVar (database versions not stated): TOPMed below 0.00001; gnomAD 0.00001; gnomAD exomes 0.00001.

Submissions (2):

Labcorp Genetics (formerly Invitae), Labcorp
Classification: Uncertain significance for Hereditary pancreatitis. Last evaluated: 2025-02-07. Review status: criteria provided, single submitter. Criteria: Invitae Variant Classification Sherloc (09022015). Collection method: clinical testing. Allele origin: germline.
Comment: This sequence change replaces threonine, which is neutral and polar, with alanine, which is neutral and non-polar, at codon 130 of the PRSS1 protein (p.Thr130Ala). The frequency data for this variant in the population databases is considered unreliable, as metrics indicate poor data quality at this position in the gnomAD database. This variant has not been reported in the literature in individuals affected with PRSS1-related conditions. ClinVar contains an entry for this variant (Variation ID: 1735868). Invitae Evidence Modeling of protein sequence and biophysical properties (such as structural, functional, and spatial information, amino acid conservation, physicochemical variation, residue mobility, and thermodynamic stability) indicates that this missense variant is not expected to disrupt PRSS1 protein function with a negative predictive value of 80%. In summary, the available evidence is currently insufficient to determine the role of this variant in disease. Therefore, it has been classified as a Variant of Uncertain Significance.

Ambry Genetics
Classification: Uncertain significance for Hereditary pancreatitis. Last evaluated: 2021-09-18. Review status: criteria provided, single submitter. Criteria: Ambry Variant Classification Scheme 2023. Collection method: clinical testing. Allele origin: germline.
Comment: The p.T130A variant (also known as c.388A>G), located in coding exon 3 of the PRSS1 gene, results from an A to G substitution at nucleotide position 388. The threonine at codon 130 is replaced by alanine, an amino acid with similar properties. This amino acid position is conserved. In addition, this alteration is predicted to be tolerated by in silico analysis. Since supporting evidence is limited at this time, the clinical significance of this alteration remains unclear.